The following is an entry in ClinVar:

NM_014476.6(PDLIM3):c.42C>T (p.Gly14=)

Gene: PDLIM3 (PDZ and LIM domain 3; minus strand). Cytogenetic location: 4q35.1.
Variant type: single nucleotide variant.
Coding change: c.42C>T on transcript NM_014476.6 (MANE Select); coding-DNA position 42, C replaced by T.
Protein change: p.Gly14=; no amino-acid change (glycine 14 retained).
Molecular consequence: synonymous variant. On other transcripts: non-coding transcript variant (1).
Genome position (GRCh38, 1-based): chr4:185,535,393, G>A on the plus strand (C>T on the coding strand, the complement: PDLIM3 is on the minus strand). VCF-style: chr4-185535393-G-A. GRCh37 (hg19) VCF-style: chr4-186456547-G-A.
Other names: p.G14G:GGC>GGT; c.42C>T, p.Gly14= (NM_001114107.5, NM_001257962.2, NM_001257963.2).
Identifiers: ClinVar variation 138678 (VCV000138678.22), dbSNP rs116775669, ClinGen allele CA333146.

ClinVar aggregate classification (germline): Benign/Likely benign. Review status: criteria provided, multiple submitters, no conflicts (2 of 4 stars). 6 submissions from 6 submitters: Benign (5); Likely benign (1). Last evaluated 2026-02-02.

Conditions:
Hypertrophic cardiomyopathy. Also called: HYPERTROPHIC MYOCARDIOPATHY. Identifiers: Orphanet 217569, MedGen C0007194, MeSH D002312, MONDO:0005045, HP:0001639.
Primary dilated cardiomyopathy (DCM). Also called: Dilated Cardiomyopathy. Identifiers: Orphanet 217604, MedGen C0007193, MeSH D002311, MONDO:0005021, HP:0001644. Inheritance: Various modes of inheritance.

Allele frequency attached by ClinVar (database versions not stated): gnomAD exomes 0.00559 and 0.00227; ExAC 0.00897; gnomAD 0.02423 and 0.02269; TOPMed 0.02492; ESP Exome Variant Server 0.02522; 1000 Genomes Project 30x 0.03076; 1000 Genomes Project 0.02855.
gnomAD v4.1: 6,940 of 1,607,638 alleles (0.43%); highest among the groups gnomAD compares: African/African-American, 8.1%; 259 homozygotes.

Submissions (6):

Labcorp Genetics (formerly Invitae), Labcorp
Classification: Benign for Hypertrophic cardiomyopathy; Primary dilated cardiomyopathy. Last evaluated: 2026-02-02. Review status: criteria provided, single submitter. Criteria: Invitae Variant Classification Sherloc (09022015). Collection method: clinical testing. Allele origin: germline.

Women's Health and Genetics/Laboratory Corporation of America, LabCorp
Classification: Benign. Last evaluated: 2023-08-19. Review status: criteria provided, single submitter. Criteria: LabCorp Variant Classification Summary - May 2015. Collection method: clinical testing. Allele origin: germline.

Ambry Genetics
Classification: Likely benign. Last evaluated: 2022-05-17. Review status: criteria provided, single submitter. Criteria: Ambry Variant Classification Scheme 2023. Collection method: clinical testing. Allele origin: germline.

Laboratory for Molecular Medicine, Mass General Brigham Personalized Medicine
Classification: Benign. Last evaluated: 2014-11-24. Review status: criteria provided, single submitter. Criteria: LMM Criteria. Collection method: clinical testing. Allele origin: germline. Observed: 11 variant alleles.
Comment: Gly14Gly in exon 1 of PDLIM3: This variant is not expected to have clinical sign ificance because it does not alter an amino acid residue and is not located with in the splice consensus sequence. It has been identified in 7.4% (327/4404) of A frican American chromosomes from a broad population by the NHLBI Exome Sequencin g Project (dbSNP rs116775669).

GeneDx
Classification: Benign. Last evaluated: 2014-01-23. Review status: criteria provided, single submitter. Criteria: GeneDx Variant Classification (06012015). Collection method: clinical testing. Allele origin: germline. Affected: yes.
Comment: This variant is considered likely benign or benign based on one or more of the following criteria: it is a conservative change, it occurs at a poorly conserved position in the protein, it is predicted to be benign by multiple in silico algorithms, and/or has population frequency not consistent with disease.

Breakthrough Genomics
Classification: Benign. Review status: criteria provided, single submitter. Criteria: ACMG Guidelines, 2015. Collection method: not provided. Allele origin: germline. Inheritance: Unknown mechanism. Affected: yes.